The following is an entry in ClinVar:

ClinVar aggregate classification (germline): Pathogenic (1 of 4 stars; one submission).

Conditions:
Hypertrophic cardiomyopathy 4. Also called: Familial hypertrophic cardiomyopathy 4. Identifiers: MedGen C1861862, MONDO:0007268, OMIM 115197.

Submission:

Juno Genomics, Hangzhou Juno Genomics, Inc
Classification: Pathogenic for Hypertrophic cardiomyopathy 4. Review status: criteria provided, single submitter. Criteria: ACMG Guidelines, 2015. Collection method: clinical testing. Allele origin: germline. Affected: yes.
Comment: Absent from controls (or at extremely low frequency if recessive) in Genome Aggregation Database, Exome Sequencing Project, 1000 Genomes Project, or Exome Aggregation Consortium.;Null variant in a gene where loss of function (LOF) is a known mechanism of disease.;Patient's phenotype or family history is highly specific for a disease with a single genetic etiology.

NM_000256.3(MYBPC3):c.946_962del (p.Pro316fs)

Gene: MYBPC3 (myosin binding protein C3; minus strand). Cytogenetic location: 11p11.2.
Variant type: Deletion.
Coding change: c.946_962del on transcript NM_000256.3 (MANE Select); coding-DNA positions 946 to 962, 17 bases deleted (CCAGCAGAGGAGGACGT).
Protein change: p.Pro316fs; shifts the reading frame from proline 316.
Molecular consequence: frameshift variant.
Genome position (GRCh38, 1-based): chr11:47,346,335-47,346,351, ACGTCCTCCTCTGCTGG deleted on the plus strand (CCAGCAGAGGAGGACGT on the coding strand, the reverse complement: MYBPC3 is on the minus strand). VCF-style (leftmost placement, unchanged base first): chr11-47346334-CACGTCCTCCTCTGCTGG-C. GRCh37 (hg19) VCF-style: chr11-47367885-CACGTCCTCCTCTGCTGG-C.
Other names: short protein forms P316fs.
Identifiers: ClinVar variation 3382478 (VCV003382478.2).